The following is an entry in ClinVar:

ClinVar aggregate classification (germline): Likely pathogenic (1 of 4 stars; one submission).

Conditions:
ZFHX3-related disorder. Also called: ZFHX3-related condition.

Submission:

Rady Children's Institute for Genomic Medicine, Rady Children's Hospital San Diego
Classification: Likely pathogenic for ZFHX3-related disorders. Last evaluated: 2025-01-16. Review status: criteria provided, single submitter. Criteria: ACMG Guidelines, 2015. Collection method: clinical testing. Allele origin: germline. Affected: yes.
Comment: This frameshifting variant in exon 2 of 10 is predicted to result in loss of normal protein function through either protein truncation or nonsense-mediated mRNA decay. The ZFHX3 gene is constrained against loss-of-function variation (pLI = 1), and loss-of-function variants have been reported in individuals with ZFHX3-related complex neurodevelopmental disorder (HGMD, ClinVar database; PMID: 38412861). This variant has not been previously reported or functionally characterized in the literature to our knowledge. The c.669del (p.Leu224SerfsTer22) variant is absent from the latest version of the gnomAD population database and thus is presumed to be rare. Based on the available evidence, c.669del (p.Leu224SerfsTer22) is classified as Likely Pathogenic.

Literature cited by the submitters: PubMed 38412861.

NM_006885.4(ZFHX3):c.669del (p.Leu224fs)

Gene: ZFHX3 (zinc finger homeobox 3; minus strand). Cytogenetic location: 16q22.3.
Variant type: Deletion.
Coding change: c.669del on transcript NM_006885.4 (MANE Select); coding-DNA position 669, one base deleted (G; older notation c.669delG).
Protein change: p.Leu224fs; shifts the reading frame from leucine 224.
Molecular consequence: frameshift variant. On other transcripts: intron variant (1).
Genome position (GRCh38, 1-based): chr16:72,959,477, C deleted on the plus strand (G on the coding strand, the reverse complement: ZFHX3 is on the minus strand); the first of 4 consecutive C bases (chr16:72,959,477-72,959,480); deleting any one gives the same sequence. VCF-style (leftmost placement, unchanged base first): chr16-72959476-GC-G. GRCh37 (hg19) VCF-style: chr16-72993375-GC-G.
Other names: c.669del, p.Leu224fs (NM_001386735.1); c.-23-8512del (NM_001164766.2); short protein forms L224fs.
Identifiers: ClinVar variation 4814199 (VCV004814199.1).